The following is an entry in ClinVar:

ClinVar aggregate classification (germline): Pathogenic. Review status: reviewed by expert panel (3 of 4 stars). 7 submissions from 7 submitters: Pathogenic (1). 6 of the submissions do not count toward it. Last evaluated 2024-12-03.

Conditions:
von Willebrand disorder (VWD). Also called: von Willebrand Diseases; Von Willebrand disease (hereditary or acquired); von Willebrand's disease. Identifiers: MedGen C0042974, MeSH D014842, MONDO:0024574.
Von Willebrand disease type 2B. Identifiers: Orphanet 166087, MedGen C1282971, MONDO:0015629.
Hereditary von Willebrand disease. Identifiers: Orphanet 903, MedGen C5703318, MONDO:0019565. Inheritance: Autosomal recessive or Autosomal dominant.
von Willebrand disease type 2 (VWD2). Also called: VWD, TYPE 2; VON WILLEBRAND DISEASE, TYPE 2A/IIE; VON WILLEBRAND DISEASE, TYPE 2CB; VON WILLEBRAND DISEASE, TYPE II. Identifiers: Orphanet 166081, Orphanet 903, MedGen C1264040, MONDO:0013304, OMIM 613554.

Submissions (7):

ClinGen von Willebrand Disease Variant Curation Expert Panel, ClinGen
Classification: Pathogenic for Von Willebrand disease type 2B. Last evaluated: 2024-12-03. Review status: reviewed by expert panel. Criteria: ClinGen VWD 2A B M Rules. Collection method: curation. Allele origin: germline. Inheritance: Autosomal dominant inheritance.
Comment: The NM_000552.5(VWF):c.3802C>G (p.His1268Asp) variant is a missense variant with a REVEL score of 0.29, which meets the VWD VCEP threshold of less than or equal to 0.29 and does not predict a damaging effect on VWF function (BP4). However, a patient with the H1268D variant displayed excessive mucocutaneous bleeding as well as a laboratory phenotype of a partial loss of high molecular weight multimers and a significant increase in VWF-GPIb showing gain of function which is highly specific for VWF type 2B. Additionally, the patient developed thrombocytopenia during infectious episodes (PMID: 18805962; PP4_Moderate). There are at least 4 additional type 2B probands with this variant and confirmed increased VWF binding (PMID: 8376405, PMID: 16704443, Christopherson, 2020, SCV002515761.1; PS4). The variant is absent from gnomADv4, thus, meeting PM2_Supporting criterion. RIPA assay demonstrated that the variant demonstrated enhanced responsiveness to rVWF-WT at a low concentration of ristocetin. Furthermore, multimer analysis also showed preferential cleavage of HMWMs (PMID: 26345337). The variant also exhibited increased affinity towards the LBD compared to WT AIM-A1 (PS3). In summary, this variant has been classified as Pathogenic for type 2B Von Willebrand Disease based on the ACMG/AMP criteria applied as specified by the von Willebrand Disease Variant Curation Expert Panel. BP4, PP4_Moderate, PM2_Supporting, PS3, PS4.

Women's Health and Genetics/Laboratory Corporation of America, LabCorp
Classification: Pathogenic for von Willebrand disorder. Last evaluated: 2026-03-25. Review status: criteria provided, single submitter. Criteria: LabCorp Variant Classification Summary - May 2015. Collection method: clinical testing. Allele origin: germline. Not counted in ClinVar's aggregate classification.
Comment: Variant summary: VWF c.3802C>G (p.His1268Asp) results in a non-conservative amino acid change in the encoded protein sequence. Algorithms developed to predict the effect of missense changes on protein structure and function are either unavailable or do not agree on the potential impact of this missense change. The variant was absent in 250356 control chromosomes (gnomAD). c.3802C>G has been observed in multiple individuals affected with Von Willebrand Disease type 2b (e.g. Rabinowitz_1993, Caron_2006, Frederici_2009, Stufano_2015, Szerderjesi_2020, Sadler_2021). These data indicate that the variant is very likely to be associated with disease. Publications report experimental evidence evaluating an impact on protein function, finding that the variant results in increased platelet binding, increased susceptibility to cleavage by ADAMTS13, and reduced stability of AIM-A1 complexes (Rabinowitz_1993, Ma_2015, Legan_2023). The following publications have been ascertained in the context of this evaluation (PMID: 26206100, 32573891, 16704443, 18805962, 26345337, 36580664, 8376405, 33556167). ClinVar contains an entry for this variant (Variation ID: 100281). Based on the evidence outlined above, the variant was classified as pathogenic.

Mayo Clinic Laboratories, Mayo Clinic
Classification: Pathogenic. Last evaluated: 2025-06-27. Review status: criteria provided, single submitter. Criteria: ACMG Guidelines, 2015. Collection method: clinical testing. Allele origin: germline. Observed: 4 variant alleles. Not counted in ClinVar's aggregate classification.
Comment: BP4, PP5, PM2_supporting, PS3, PS4

Quest Diagnostics Nichols Institute San Juan Capistrano
Classification: Likely pathogenic. Last evaluated: 2024-07-18. Review status: criteria provided, single submitter. Criteria: Quest Diagnostics criteria. Collection method: clinical testing. Allele origin: unknown. Not counted in ClinVar's aggregate classification.
Comment: The VWF c.3802C>G (p.His1268Asp) variant has been reported in the published literature in individuals from a family affected with type IIB von Willebrand disease (VWD) (PMID: 8376405 (1993)). Published functional study using recombinant vWF with this variant shows increased binding to Glycoprotein Ib at low concentrations of ristocetin as compared to wild type VWF, a characteristic of type IIB VWD (PMID: 8376405 (1993)). This variant has not been reported in large, multi-ethnic general populations (Genome Aggregation Database). Analysis of this variant using bioinformatics tools for the prediction of the effect of amino acid changes on protein structure and function yielded predictions that this variant is damaging. Based on the available information, this variant is classified as likely pathogenic.

Angelo Bianchi Bonomi Hemophilia and Thrombosis Center, Fondazione IRCCS Ca Granda Ospedale Maggiore Policlinico
Classification: Likely pathogenic for von Willebrand disease type 2. Last evaluated: 2022-04-26. Review status: no assertion criteria provided. Collection method: clinical testing. Allele origin: germline. Affected: yes. Not counted in ClinVar's aggregate classification.

Academic Unit of Haematology, University of Sheffield
No classification provided. Review status: no classification provided. Collection method: not provided. Allele origin: not provided. Not counted in ClinVar's aggregate classification.

ISTH-SSC Genomics in Thrombosis and Hemostasis, KU Leuven, Center for Molecular and Vascular Biology
Classification: Likely pathogenic for von Willebrand disorder. Review status: no assertion criteria provided. Collection method: clinical testing. Allele origin: germline. Affected: yes. Not counted in ClinVar's aggregate classification.
Comment: Submitted to GoldVariant by Loredana Bury - Paolo Gresele from University of Perugia, Department of Medicine and Surgery, Centre for Hemostasis and Thrombosis, Italy

Literature cited by the submitters: PubMed 33556167 (cited by Women's Health and Genetics/Laboratory Corporation of America, LabCorp and Mayo Clinic Laboratories, Mayo Clinic); PubMed 18805962 (cited by Women's Health and Genetics/Laboratory Corporation of America, LabCorp and Mayo Clinic Laboratories, Mayo Clinic); PubMed 16704443 (cited by Women's Health and Genetics/Laboratory Corporation of America, LabCorp and Mayo Clinic Laboratories, Mayo Clinic); PubMed 26206100 (cited by Women's Health and Genetics/Laboratory Corporation of America, LabCorp); PubMed 26345337 (cited by Women's Health and Genetics/Laboratory Corporation of America, LabCorp and Mayo Clinic Laboratories, Mayo Clinic); PubMed 36580664 (cited by Women's Health and Genetics/Laboratory Corporation of America, LabCorp and Mayo Clinic Laboratories, Mayo Clinic); PubMed 32573891 (cited by Women's Health and Genetics/Laboratory Corporation of America, LabCorp); PubMed 8376405 (cited by 3 submitters); PubMed 25185554 (cited by Mayo Clinic Laboratories, Mayo Clinic); PubMed 8456431 (cited by Quest Diagnostics Nichols Institute San Juan Capistrano).

NM_000552.5(VWF):c.3802C>G (p.His1268Asp)

Gene: VWF (von Willebrand factor; minus strand). Cytogenetic location: 12p13.31.
Variant type: single nucleotide variant.
Coding change: c.3802C>G on transcript NM_000552.5 (MANE Select); coding-DNA position 3802, C replaced by G.
Protein change: p.His1268Asp; replaces histidine 1268 with aspartic acid.
Molecular consequence: missense variant.
Genome position (GRCh38, 1-based): chr12:6,019,616, G>C on the plus strand (C>G on the coding strand, the complement: VWF is on the minus strand). VCF-style: chr12-6019616-G-C. GRCh37 (hg19) VCF-style: chr12-6128782-G-C.
Other names: NM_000552.5(VWF):c.3802C>G; c.3802C>G (NM_000552.4); short protein forms H1268D.
Identifiers: ClinVar variation 100281 (VCV000100281.7), dbSNP rs61749371, ClinGen allele CA228445.